The following is an entry in ClinVar:

NM_001386135.1(AFF3):c.1498G>T (p.Val500Leu)

Gene: AFF3 (ALF transcription elongation factor 3; minus strand). Cytogenetic location: 2q11.2.
Variant type: single nucleotide variant.
Coding change: c.1498G>T on transcript NM_001386135.1 (MANE Select); coding-DNA position 1498, G replaced by T.
Protein change: p.Val500Leu; replaces valine 500 with leucine.
Molecular consequence: missense variant.
Genome position (GRCh38, 1-based): chr2:99,594,163, C>A on the plus strand (G>T on the coding strand, the complement: AFF3 is on the minus strand). VCF-style: chr2-99594163-C-A. GRCh37 (hg19) VCF-style: chr2-100210625-C-A.
Other names: c.1573G>T, p.Val525Leu (NM_001025108.2); c.1498G>T, p.Val500Leu (NM_002285.3); short protein forms V500L, V525L.
Identifiers: ClinVar variation 3045882 (VCV003045882.18), dbSNP rs140115275, ClinGen allele CA1801122.

ClinVar aggregate classification (germline): Conflicting classifications of pathogenicity. Review status: criteria provided, conflicting classifications (1 of 4 stars). 3 submissions from 3 submitters: Uncertain significance (1); Likely benign (1). 1 of the submissions does not count toward it. Last evaluated 2024-11-15.

Conditions:
AFF3-related disorder. Also called: AFF3-related condition.

Allele frequency attached by ClinVar (database versions not stated): 1000 Genomes Project 0.00060; 1000 Genomes Project 30x 0.00062; gnomAD 0.00085; ESP Exome Variant Server 0.00154.
gnomAD v4.1: 2,124 of 1,614,142 alleles (0.13%); highest among the groups gnomAD compares: Non-Finnish European, 0.16%; 2 homozygotes.

Submissions (3):

Labcorp Genetics (formerly Invitae), Labcorp
Classification: Uncertain significance. Last evaluated: 2024-11-15. Review status: criteria provided, single submitter. Criteria: Invitae Variant Classification Sherloc (09022015). Collection method: clinical testing. Allele origin: germline.
Comment: This sequence change replaces valine, which is neutral and non-polar, with leucine, which is neutral and non-polar, at codon 500 of the AFF3 protein (p.Val500Leu). This variant is present in population databases (rs140115275, gnomAD 0.1%), and has an allele count higher than expected for a pathogenic variant. This variant has not been reported in the literature in individuals affected with AFF3-related conditions. ClinVar contains an entry for this variant (Variation ID: 3045882). An algorithm developed to predict the effect of missense changes on protein structure and function (PolyPhen-2) suggests that this variant is likely to be tolerated. In summary, the available evidence is currently insufficient to determine the role of this variant in disease. Therefore, it has been classified as a Variant of Uncertain Significance.

CeGaT Center for Human Genetics Tuebingen
Classification: Likely benign. Last evaluated: 2024-11-01. Review status: criteria provided, single submitter. Criteria: CeGaT Center For Human Genetics Tuebingen Variant Classification Criteria Version 2. Collection method: clinical testing. Allele origin: germline. Affected: yes. Observed: 1 variant allele.
Comment: AFF3: BP4, BS2

PreventionGenetics, part of Exact Sciences
Classification: Likely benign for AFF3-related condition. Last evaluated: 2022-08-01. Review status: no assertion criteria provided. Collection method: clinical testing. Allele origin: germline. Not counted in ClinVar's aggregate classification.
Comment: This variant is classified as likely benign based on ACMG/AMP sequence variant interpretation guidelines (Richards et al. 2015 PMID: 25741868, with internal and published modifications).